The following is an entry in ClinVar:

ClinVar aggregate classification (germline): Conflicting classifications of pathogenicity. Review status: criteria provided, conflicting classifications (1 of 4 stars). 5 submissions from 5 submitters: Uncertain significance (1); Benign (1); Likely benign (3). Last evaluated 2025-05-25.

Conditions:
Maturity-onset diabetes of the young (MODY). Also called: Maturity onset diabetes mellitus in young. Identifiers: Orphanet 552, MedGen C0342276, MONDO:0018911, HP:0004904.

Allele frequency attached by ClinVar (database versions not stated): gnomAD 0.00004 and 0.00007; TOPMed 0.00005; ExAC 0.00008; gnomAD exomes 0.00009 and 0.00013.
gnomAD v4.1: 197 of 1,613,626 alleles (0.012%); highest among the groups gnomAD compares: South Asian, 0.049%; no homozygotes.

Submissions (5):

Labcorp Genetics (formerly Invitae), Labcorp
Classification: Likely benign. Last evaluated: 2025-05-25. Review status: criteria provided, single submitter. Criteria: Invitae Variant Classification Sherloc (09022015). Collection method: clinical testing. Allele origin: germline.

Women's Health and Genetics/Laboratory Corporation of America, LabCorp
Classification: Benign. Last evaluated: 2025-05-12. Review status: criteria provided, single submitter. Criteria: LabCorp Variant Classification Summary - May 2015. Collection method: clinical testing. Allele origin: germline.

Athena Diagnostics
Classification: Uncertain significance. Last evaluated: 2016-11-25. Review status: criteria provided, single submitter. Criteria: Athena Diagnostics Criteria. Collection method: clinical testing. Allele origin: germline.

Clinical Genomics, Uppaluri K&H Personalized Medicine Clinic
Classification: Likely benign for Maturity-onset diabetes of the young. Review status: criteria provided, single submitter. Criteria: K & H Uppaluri Personalized Medicine Clinic Variant Classification & Assertion Criteria_Updated V.1. Collection method: research. Allele origin: unknown. Inheritance: Autosomal dominant inheritance.
Comment: Mutations in HNF1A gene can predispose to MODY3. It is associated with both micro and macrovascular complications of diabetes, especially cardiovascular complications. Associated with glucosuria. May respond well to sulfonylureas. However, more evidence is required to confer the association of this particular variant rs765596650 with MODY3.

PreventionGenetics, part of Exact Sciences
Classification: Likely benign. Review status: criteria provided, single submitter. Criteria: ACMG Guidelines, 2015. Collection method: clinical testing. Allele origin: germline.

Literature cited by the submitters: PubMed 31517624 (cited by Clinical Genomics, Uppaluri K&H Personalized Medicine Clinic); PubMed 32395877 (cited by Clinical Genomics, Uppaluri K&H Personalized Medicine Clinic); PubMed 35328643 (cited by Clinical Genomics, Uppaluri K&H Personalized Medicine Clinic); PubMed 35673428 (cited by Clinical Genomics, Uppaluri K&H Personalized Medicine Clinic).

NM_000545.8(HNF1A):c.1502-14T>C

Gene: HNF1A (HNF1 homeobox A; plus strand). Cytogenetic location: 12q24.31.
Variant type: single nucleotide variant.
Coding change: c.1502-14T>C on transcript NM_000545.8 (MANE Select); 14 bases into the intron before coding-DNA position 1502, T replaced by C.
Molecular consequence: intron variant.
Genome position (GRCh38, 1-based): chr12:120,999,254, T>C. VCF-style: chr12-120999254-T-C. GRCh37 (hg19) VCF-style: chr12-121437057-T-C.
Other names: c.1502-14T>C (NM_001306179.2).
Identifiers: ClinVar variation 256596 (VCV000256596.12), dbSNP rs765596650, ClinGen allele CA6832094.
Genomic context (GRCh38, chr12:120,999,254, plus strand): 5'-CCCCAGTCTTGAGGCCTGGGACTAGGGCTGTCAGGCACGTCTGCCACGTCTGCCCCTCTC[T>C]CCCCTGCGGCCAGCCCTCTACAGCCACAAGCCCGAGGTGGCCCAGTACACCCACACGGGC-3'